The following is an entry in ClinVar:

ClinVar aggregate classification (germline): not provided (0 of 4 stars; one submission).

Allele frequency attached by ClinVar (database versions not stated): gnomAD 0.00001.
gnomAD v4.1: 1 of 1,202,861 alleles (0.000083%); highest among the groups gnomAD compares: African/African-American, 0.0018%; no homozygotes.

Submission:

ITMI
No classification provided. Condition: AllHighlyPenetrant. Last evaluated: 2013-09-19. Review status: no classification provided. Collection method: reference population. Allele origin: germline.
Comment: Please see associated publication for description of ethnicities

Literature cited by the submitters: PubMed 24728327.

NM_001123385.2(BCOR):c.305G>C (p.Arg102Pro)

Gene: BCOR (BCL6 corepressor; minus strand). Cytogenetic location: Xp11.4.
Variant type: single nucleotide variant.
Coding change: c.305G>C on transcript NM_001123385.2 (MANE Select); coding-DNA position 305, G replaced by C.
Protein change: p.Arg102Pro; replaces arginine 102 with proline.
Molecular consequence: missense variant.
Genome position (GRCh38, 1-based): chrX:40,075,041, C>G on the plus strand (G>C on the coding strand, the complement: BCOR is on the minus strand). VCF-style: chrX-40075041-C-G. GRCh37 (hg19) VCF-style: chrX-39934294-C-G.
Other names: c.305G>C, p.Arg102Pro (NM_001123384.2, NM_017745.6, NM_001123383.2); short protein forms R102P.
Identifiers: ClinVar variation 133687 (VCV000133687.1), dbSNP rs587778099, ClinGen allele CA157333.